The following is an entry in ClinVar:

ClinVar aggregate classification (germline): Uncertain significance (1 of 4 stars; one submission).

gnomAD v4.1: 41 of 1,613,016 alleles (0.0025%); highest among the groups gnomAD compares: Non-Finnish European, 0.0032%; no homozygotes.

Submission:

Labcorp Genetics (formerly Invitae), Labcorp
Classification: Uncertain significance. Last evaluated: 2022-06-27. Review status: criteria provided, single submitter. Criteria: Invitae Variant Classification Sherloc (09022015). Collection method: clinical testing. Allele origin: germline.
Comment: This sequence change replaces alanine, which is neutral and non-polar, with threonine, which is neutral and polar, at codon 279 of the USH2A protein (p.Ala279Thr). This variant is present in population databases (rs764553154, gnomAD 0.003%). This variant has not been reported in the literature in individuals affected with USH2A-related conditions. ClinVar contains an entry for this variant (Variation ID: 1062211). Algorithms developed to predict the effect of missense changes on protein structure and function are either unavailable or do not agree on the potential impact of this missense change (SIFT: "Deleterious"; PolyPhen-2: "Benign"; Align-GVGD: "Class C0"). In summary, the available evidence is currently insufficient to determine the role of this variant in disease. Therefore, it has been classified as a Variant of Uncertain Significance.

NM_206933.4(USH2A):c.835G>A (p.Ala279Thr)

Gene: USH2A (usherin; minus strand). Cytogenetic location: 1q41.
Variant type: single nucleotide variant.
Coding change: c.835G>A on transcript NM_206933.4 (MANE Select); coding-DNA position 835, G replaced by A.
Protein change: p.Ala279Thr; replaces alanine 279 with threonine.
Molecular consequence: missense variant.
Genome position (GRCh38, 1-based): chr1:216,327,604, C>T on the plus strand (G>A on the coding strand, the complement: USH2A is on the minus strand). VCF-style: chr1-216327604-C-T. GRCh37 (hg19) VCF-style: chr1-216500946-C-T.
Other names: c.835G>A, p.Ala279Thr (NM_007123.6); short protein forms A279T.
Identifiers: ClinVar variation 1062211 (VCV001062211.4), dbSNP rs764553154, ClinGen allele CA1396682.
Genomic context (GRCh38, chr1:216,327,604, plus strand): 5'-CATTTATCCTTTCGGTTCTTGAGGTTTACAATGCAACATCTGCTTACCTGTTTGTAAGTG[C>T]CACTTGGTATAATCGAAAATCTTGCATTCTTCCGACAAACTGCTCTAAACCTGCAAATAC-3'
Protein context (NP_996816.3, residues 269-289): RMQDFRLYQV[Ala279Thr]LTNREILEVF